The following is an entry in ClinVar:

ClinVar aggregate classification (germline): Likely benign (1 of 4 stars; one submission).

Allele frequency attached by ClinVar (database versions not stated): gnomAD exomes below 0.00001 and 0.00003; gnomAD 0.00001; TOPMed 0.00001.
gnomAD v4.1: 46 of 1,613,978 alleles (0.0029%); highest among the groups gnomAD compares: Non-Finnish European, 0.0037%; no homozygotes.

Submission:

GeneDx
Classification: Likely benign. Last evaluated: 2014-03-19. Review status: criteria provided, single submitter. Criteria: GeneDx Variant Classification (06012015). Collection method: clinical testing. Allele origin: germline. Affected: yes.
Comment: This variant is considered likely benign or benign based on one or more of the following criteria: it is a conservative change, it occurs at a poorly conserved position in the protein, it is predicted to be benign by multiple in silico algorithms, and/or has population frequency not consistent with disease.

NM_001040716.2(PC):c.2657A>G (p.Lys886Arg)

Gene: PC (pyruvate carboxylase; minus strand). Cytogenetic location: 11q13.2.
Variant type: single nucleotide variant.
Coding change: c.2657A>G on transcript NM_001040716.2 (MANE Select); coding-DNA position 2657, A replaced by G.
Protein change: p.Lys886Arg; replaces lysine 886 with arginine.
Molecular consequence: missense variant.
Genome position (GRCh38, 1-based): chr11:66,850,281, T>C on the plus strand (A>G on the coding strand, the complement: PC is on the minus strand). VCF-style: chr11-66850281-T-C. GRCh37 (hg19) VCF-style: chr11-66617752-T-C.
Other names: p.K886R:AAG>AGG; c.2657A>G, p.Lys886Arg (NM_000920.4, NM_022172.3); short protein forms K886R.
Identifiers: ClinVar variation 203901 (VCV000203901.1), dbSNP rs796052027, ClinGen allele CA312863.